The following is an entry in ClinVar:

NM_004393.6(DAG1):c.2206G>A (p.Val736Met)

Gene: DAG1 (dystroglycan 1; plus strand). Cytogenetic location: 3p21.31.
Variant type: single nucleotide variant.
Coding change: c.2206G>A on transcript NM_004393.6 (MANE Select); coding-DNA position 2206, G replaced by A.
Protein change: p.Val736Met; replaces valine 736 with methionine.
Molecular consequence: missense variant.
Genome position (GRCh38, 1-based): chr3:49,532,717, G>A. VCF-style: chr3-49532717-G-A. GRCh37 (hg19) VCF-style: chr3-49570150-G-A.
Other names: c.2206G>A, p.Val736Met (NM_001165928.4, NM_001177634.3, NM_001177635.3 and 9 more transcripts); short protein forms V736M.
Identifiers: ClinVar variation 2123832 (VCV002123832.4), dbSNP rs766181935, ClinGen allele CA352797020.

ClinVar aggregate classification (germline): Uncertain significance (1 of 4 stars; one submission).

Conditions:
Autosomal recessive limb-girdle muscular dystrophy type 2P. Also called: MUSCULAR DYSTROPHY-DYSTROGLYCANOPATHY, LIMB-GIRDLE, DAG1-RELATED; Limb-Girdle Muscular Dystrophy Type 9C; MUSCULAR DYSTROPHY, LIMB-GIRDLE, TYPE 2P. Identifiers: Orphanet 280333, MedGen C4511963, MONDO:0013440, OMIM 613818.
Muscular dystrophy-dystroglycanopathy (congenital with brain and eye anomalies), type A9. Also called: WALKER-WARBURG SYNDROME OR MUSCLE-EYE BRAIN DISEASE, DAG1-RELATED; Muscular dystrophy-dystroglycanopathy (congenital with brain and eye anomalies), type a, 9. Identifiers: Orphanet 370997, Orphanet 899, MedGen C4225291, MONDO:0014683, OMIM 616538.

gnomAD v4.1: 1 of 1,614,186 alleles (0.000062%); highest among the groups gnomAD compares: Non-Finnish European, 0.000085%; no homozygotes.

Submission:

Labcorp Genetics (formerly Invitae), Labcorp
Classification: Uncertain significance for Autosomal recessive limb-girdle muscular dystrophy type 2P; Muscular dystrophy-dystroglycanopathy (congenital with brain and eye anomalies), type A9. Last evaluated: 2022-04-09. Review status: criteria provided, single submitter. Criteria: Invitae Variant Classification Sherloc (09022015). Collection method: clinical testing. Allele origin: germline.
Comment: This sequence change replaces valine, which is neutral and non-polar, with methionine, which is neutral and non-polar, at codon 736 of the DAG1 protein (p.Val736Met). This variant is not present in population databases (gnomAD no frequency). In summary, the available evidence is currently insufficient to determine the role of this variant in disease. Therefore, it has been classified as a Variant of Uncertain Significance. Algorithms developed to predict the effect of missense changes on protein structure and function are either unavailable or do not agree on the potential impact of this missense change (SIFT: "Tolerated"; PolyPhen-2: "Possibly Damaging"; Align-GVGD: "Class C0"). This variant has not been reported in the literature in individuals affected with DAG1-related conditions.